The following is an entry in ClinVar:

ClinVar aggregate classification (germline): Likely pathogenic (1 of 4 stars; one submission).

gnomAD v4.1: 1 of 1,599,868 alleles (0.000063%); highest among the groups gnomAD compares: South Asian, 0.0011%; no homozygotes.

Submission:

Labcorp Genetics (formerly Invitae), Labcorp
Classification: Likely pathogenic. Last evaluated: 2022-11-23. Review status: criteria provided, single submitter. Criteria: Invitae Variant Classification Sherloc (09022015). Collection method: clinical testing. Allele origin: germline.
Comment: This sequence change affects an acceptor splice site in intron 6 of the CTSK gene. It is expected to disrupt RNA splicing. Variants that disrupt the donor or acceptor splice site typically lead to a loss of protein function (PMID: 16199547), and loss-of-function variants in CTSK are known to be pathogenic (PMID: 12125807, 21569238). This variant is not present in population databases (gnomAD no frequency). This variant has not been reported in the literature in individuals affected with CTSK-related conditions. Algorithms developed to predict the effect of sequence changes on RNA splicing suggest that this variant may disrupt the consensus splice site. In summary, the currently available evidence indicates that the variant is pathogenic, but additional data are needed to prove that conclusively. Therefore, this variant has been classified as Likely Pathogenic.

Literature cited by the submitters: PubMed 16199547; PubMed 12125807; PubMed 21569238.

NM_000396.4(CTSK):c.785-2A>C

Gene: CTSK (cathepsin K; minus strand). Cytogenetic location: 1q21.3.
Variant type: single nucleotide variant.
Coding change: c.785-2A>C on transcript NM_000396.4 (MANE Select); the canonical splice acceptor site of the intron before coding-DNA position 785, A replaced by C.
Molecular consequence: splice acceptor variant.
Genome position (GRCh38, 1-based): chr1:150,799,275, T>G on the plus strand (A>C on the coding strand, the complement: CTSK is on the minus strand). VCF-style: chr1-150799275-T-G. GRCh37 (hg19) VCF-style: chr1-150771751-T-G.
Identifiers: ClinVar variation 2815709 (VCV002815709.3), dbSNP rs777298957, ClinGen allele CA342335938.
Genomic context (GRCh38, chr1:150,799,275, plus strand): 5'-CACTGCCAAAACTGCATGGTTCAGATTATCGCTATTGCAGCTTTCATCATAATACACACC[T>G]AGAATACAAACTACCAGCGTGAGGCTCTATGCAATCCAAGGGTCACCCTGTGGGATCTCC-3'